The following is an entry in ClinVar:

NM_152419.3(HGSNAT):c.1466C>A (p.Ala489Glu)

Gene: HGSNAT (heparan-alpha-glucosaminide N-acetyltransferase; plus strand). Cytogenetic location: 8p11.21.
Variant type: single nucleotide variant.
Coding change: c.1466C>A on transcript NM_152419.3 (MANE Select); coding-DNA position 1466, C replaced by A.
Protein change: p.Ala489Glu; replaces alanine 489 with glutamic acid.
Molecular consequence: missense variant.
Genome position (GRCh38, 1-based): chr8:43,196,949, C>A. VCF-style: chr8-43196949-C-A. GRCh37 (hg19) VCF-style: chr8-43052092-C-A.
Other names: c.1553C>A, p.Ala518Glu (NM_001363227.2); c.1274C>A, p.Ala425Glu (NM_001363228.2); c.602C>A, p.Ala201Glu (NM_001363229.2); short protein forms A489E, A425E, A201E, A518E.
Identifiers: ClinVar variation 553763 (VCV000553763.10), dbSNP rs1554537586, ClinGen allele CA371120116.

ClinVar aggregate classification (germline): Pathogenic/Likely pathogenic. Review status: criteria provided, multiple submitters, no conflicts (2 of 4 stars). 5 submissions from 5 submitters: Pathogenic (1); Likely pathogenic (3). 1 of the submissions does not count toward it. Last evaluated 2025-12-10.

Conditions:
Mucopolysaccharidosis, MPS-III-C (MPS3C). Also called: SANFILIPPO SYNDROME C; MPS III C; MUCOPOLYSACCHARIDOSIS, TYPE IIIC; Mucopolysaccharidosis type IIIC (Sanfilippo C); MPS IIIC (Sanfilippo Syndrome Type C); mucopolysaccharidosis type 3C. Identifiers: Orphanet 581, Orphanet 79271, MedGen C0086649, MONDO:0009657, OMIM 252930.
Retinitis pigmentosa 73 (RP73). Identifiers: Orphanet 791, MedGen C4225287, MONDO:0014687, OMIM 616544.
HGSNAT-related disorders.

Allele frequency attached by ClinVar (database versions not stated): TOPMed below 0.00001.

Submissions (5):

Labcorp Genetics (formerly Invitae), Labcorp
Classification: Pathogenic for Retinitis pigmentosa 73; Mucopolysaccharidosis, MPS-III-C. Last evaluated: 2025-12-10. Review status: criteria provided, single submitter. Criteria: Invitae Variant Classification Sherloc (09022015). Collection method: clinical testing. Allele origin: germline.
Comment: This sequence change replaces alanine, which is neutral and non-polar, with glutamic acid, which is acidic and polar, at codon 489 of the HGSNAT protein (p.Ala489Glu). This variant is not present in population databases (gnomAD no frequency). This missense change has been observed in individual(s) with Sanfilippo syndrome (PMID: 19479962, 31228227). In at least one individual the data is consistent with being in trans (on the opposite chromosome) from a pathogenic variant. ClinVar contains an entry for this variant (Variation ID: 553763). An algorithm developed to predict the effect of missense changes on protein structure and function (PolyPhen-2) suggests that this variant is likely to be disruptive. Experimental studies have shown that this missense change affects HGSNAT function (PMID: 19823584, 20583299). For these reasons, this variant has been classified as Pathogenic.

Natera, Inc.
Classification: Likely pathogenic for Mucopolysaccharidosis type IIIC. Last evaluated: 2024-03-13. Review status: criteria provided, single submitter. Criteria: Natera Variant Classification Schema (03/2026). Collection method: clinical testing. Allele origin: germline.
Comment: The c.1466C>A variant in HGSNAT is a missense variant predicted to cause substitution of alanine to glutamic acid at amino acid 489. This variant is rare in the general population with a frequency below the threshold expected for the associated phenotype(s). This variant has been observed in one or more individuals affected with the associated recessive disease, as either homozygous or compound heterozygous with a second variant (PMID: 31228227). Functional studies show that this variant may disrupt protein function (PMID: 20583299, 19823584). Computational prediction algorithms indicate this variant is likely to affect gene or protein function. Given the available evidence, this variant is classified as Likely Pathogenic.

Fulgent Genetics
Classification: Likely pathogenic for Mucopolysaccharidosis, MPS-III-C; Retinitis pigmentosa 73. Last evaluated: 2023-12-30. Review status: criteria provided, single submitter. Criteria: ACMG Guidelines, 2015. Collection method: clinical testing. Allele origin: germline.

Blueprint Genetics
Classification: Likely pathogenic for HGSNAT-related disorders. Last evaluated: 2021-09-21. Review status: criteria provided, single submitter. Criteria: ACMG Guidelines, 2015. Collection method: clinical testing. Allele origin: germline. Affected: yes. Observed: 1 variant allele.

Counsyl
Classification: Uncertain significance for Mucopolysaccharidosis, MPS-III-C. Last evaluated: 2017-09-06. Review status: flagged submission. Collection method: clinical testing. Allele origin: unknown. Not counted in ClinVar's aggregate classification.
ClinVar note: Reason: Older claim that does not account for recent evidence

Literature cited by the submitters: PubMed 19479962 (cited by Labcorp Genetics (formerly Invitae), Labcorp and Counsyl); PubMed 31228227 (cited by Labcorp Genetics (formerly Invitae), Labcorp and Natera, Inc.); PubMed 19823584 (cited by 3 submitters); PubMed 20583299 (cited by 3 submitters).